The following is an entry in ClinVar:

NM_005633.4(SOS1):c.1311T>G (p.Ile437Met)

Gene: SOS1 (SOS Ras/Rac guanine nucleotide exchange factor 1; minus strand). Cytogenetic location: 2p22.1.
Variant type: single nucleotide variant.
Coding change: c.1311T>G on transcript NM_005633.4 (MANE Select); coding-DNA position 1311, T replaced by G.
Protein change: p.Ile437Met; replaces isoleucine 437 with methionine.
Molecular consequence: missense variant.
Genome position (GRCh38, 1-based): chr2:39,023,117, A>C on the plus strand (T>G on the coding strand, the complement: SOS1 is on the minus strand). VCF-style: chr2-39023117-A-C. GRCh37 (hg19) VCF-style: chr2-39250258-A-C.
Other names: c.1290T>G, p.Ile430Met (NM_001382394.1); c.1311T>G, p.Ile437Met (NM_001382395.1); short protein forms I430M, I437M.
Identifiers: ClinVar variation 3384578 (VCV003384578.1).

ClinVar aggregate classification (germline): Likely pathogenic (1 of 4 stars; one submission).

Submission:

GeneDx
Classification: Likely pathogenic. Last evaluated: 2024-06-03. Review status: criteria provided, single submitter. Criteria: GeneDx Variant Classification Process June 2021. Collection method: clinical testing. Allele origin: germline. Affected: yes.
Comment: Not observed at significant frequency in large population cohorts (gnomAD); In silico analysis indicates that this missense variant does not alter protein structure/function; Has not been previously published as pathogenic or benign to our knowledge; This variant is associated with the following publications: (PMID: 20648242, 29493581, 17143282, 21387466, 12628188)